The following is an entry in ClinVar:

ClinVar aggregate classification (germline): Conflicting classifications of pathogenicity. Review status: criteria provided, conflicting classifications (1 of 4 stars). 2 submissions from 2 submitters: Likely pathogenic (1); Uncertain significance (1). Last evaluated 2024-11-15.

Conditions:
GRN-related disorder. Also called: GRN-related condition; GRN-related disorders.
GRN-related frontotemporal lobar degeneration with Tdp43 inclusions (FTD2). Also called: GRN Frontotemporal Dementia; DEMENTIA, HEREDITARY DYSPHASIC DISINHIBITION; FRONTOTEMPORAL LOBAR DEGENERATION WITH UBIQUITIN-POSITIVE INCLUSIONS; FTLD-TDP, GRN-RELATED; FRONTOTEMPORAL DEMENTIA WITH TDP43 INCLUSIONS, GRN-RELATED. Identifiers: Orphanet 100070, Orphanet 282, MedGen C1843792, MONDO:0011842, OMIM 607485. Disease mechanism: loss of function.

Submissions (2):

PreventionGenetics, part of Exact Sciences
Classification: Likely pathogenic for GRN-related condition. Last evaluated: 2024-11-15. Review status: criteria provided, single submitter. Criteria: ACMG Guidelines, 2015. Collection method: clinical testing. Allele origin: germline.
Comment: The GRN c.559dupC variant is predicted to result in a frameshift and premature protein termination (p.Leu187Profs*11). This variant was reported in an individual with frontotemporal dementia (Supplementary Table 1, Moore et al. 2020. PubMed ID: 31810826). This variant has not been reported in a large population database (gnomAD), indicating this variant is rare. Frameshift variants in GRN are expected to be pathogenic. This variant is interpreted as likely pathogenic.

Institute of Human Genetics, University of Leipzig Medical Center
Classification: Uncertain significance for GRN-related frontotemporal lobar degeneration with Tdp43 inclusions. Last evaluated: 2019-01-01. Review status: criteria provided, single submitter. Criteria: ACMG Guidelines, 2015. Collection method: clinical testing. Allele origin: unknown. Affected: yes.

NM_002087.4(GRN):c.559dup (p.Leu187fs)

Gene: GRN (granulin precursor; plus strand). Cytogenetic location: 17q21.31.
Variant type: Duplication.
Coding change: c.559dup on transcript NM_002087.4 (MANE Select); coding-DNA position 559, one base duplicated (C; older notation c.559dupC).
Protein change: p.Leu187fs; shifts the reading frame from leucine 187.
Molecular consequence: frameshift variant.
Genome position (GRCh38, 1-based): chr17:44,350,538, C duplicated; the last of 5 consecutive C bases (chr17:44,350,534-44,350,538); duplicating any one gives the same sequence. VCF-style (leftmost placement, unchanged base first): chr17-44350533-A-AC. GRCh37 (hg19) VCF-style: chr17-42427901-A-AC.
Other names: c.559dupC (NM_002087.3); short protein forms L187fs.
Identifiers: ClinVar variation 983131 (VCV000983131.2), dbSNP rs2048362758, ClinGen allele CA1139665598.